The following is an entry in ClinVar:

ClinVar aggregate classification (germline): Conflicting classifications of pathogenicity. Review status: criteria provided, conflicting classifications (1 of 4 stars). 4 submissions from 4 submitters: Uncertain significance (1); Likely benign (3). Last evaluated 2026-01-05.

Conditions:
Joubert syndrome 21 (JBTS21). Identifiers: MedGen C3810212, MONDO:0014288, OMIM 615636.

Allele frequency attached by ClinVar (database versions not stated): TOPMed 0.00002; gnomAD 0.00003.
gnomAD v4.1: 17 of 1,592,446 alleles (0.0011%); highest among the groups gnomAD compares: Admixed American, 0.029%; no homozygotes.

Submissions (4):

Labcorp Genetics (formerly Invitae), Labcorp
Classification: Likely benign for Joubert syndrome 21. Last evaluated: 2026-01-05. Review status: criteria provided, single submitter. Criteria: Invitae Variant Classification Sherloc (09022015). Collection method: clinical testing. Allele origin: germline.

Blueprint Genetics
Classification: Likely benign. Last evaluated: 2022-11-04. Review status: criteria provided, single submitter. Criteria: ACMG Guidelines, 2015. Collection method: clinical testing. Allele origin: germline.

Revvity Omics, Revvity
Classification: Uncertain significance for Joubert syndrome 21. Last evaluated: 2020-08-21. Review status: criteria provided, single submitter. Criteria: ACMG Guidelines, 2015. Collection method: clinical testing. Allele origin: germline.

GeneDx
Classification: Likely benign. Last evaluated: 2016-03-28. Review status: criteria provided, single submitter. Criteria: GeneDx Variant Classification (06012015). Collection method: clinical testing. Allele origin: germline. Affected: yes.
Comment: This variant is considered likely benign or benign based on one or more of the following criteria: it is a conservative change, it occurs at a poorly conserved position in the protein, it is predicted to be benign by multiple in silico algorithms, and/or has population frequency not consistent with disease.

NM_001382391.1(CSPP1):c.1218G>C (p.Ala406=)

Gene: CSPP1 (centrosome and spindle pole associated protein 1; plus strand). Cytogenetic location: 8q13.2.
Variant type: single nucleotide variant.
Coding change: c.1218G>C on transcript NM_001382391.1 (MANE Select); coding-DNA position 1218, G replaced by C.
Protein change: p.Ala406=; no amino-acid change (alanine 406 retained).
Molecular consequence: synonymous variant.
Genome position (GRCh38, 1-based): chr8:67,113,835, G>C. VCF-style: chr8-67113835-G-C. GRCh37 (hg19) VCF-style: chr8-68026070-G-C.
Other names: c.363G>C, p.Ala121= (NM_001291339.2); c.1137G>C, p.Ala379= (NM_001363131.2, NM_001363133.2); c.1218G>C, p.Ala406= (NM_001363132.2); c.1326G>C, p.Ala442= (NM_001364869.1); c.1146G>C, p.Ala382= (NM_001364870.1); c.1245G>C, p.Ala415= (NM_024790.7).
Identifiers: ClinVar variation 384856 (VCV000384856.14), dbSNP rs752326108, ClinGen allele CA4770490.